The following is an entry in ClinVar:

ClinVar aggregate classification (germline): Uncertain significance (1 of 4 stars; one submission).

Submission:

Labcorp Genetics (formerly Invitae), Labcorp
Classification: Uncertain significance. Last evaluated: 2022-05-26. Review status: criteria provided, single submitter. Criteria: Invitae Variant Classification Sherloc (09022015). Collection method: clinical testing. Allele origin: germline.
Comment: In summary, the available evidence is currently insufficient to determine the role of this variant in disease. Therefore, it has been classified as a Variant of Uncertain Significance. Algorithms developed to predict the effect of missense changes on protein structure and function (SIFT, PolyPhen-2, Align-GVGD) all suggest that this variant is likely to be disruptive. This variant has not been reported in the literature in individuals affected with FGFR3-related conditions. This variant is not present in population databases (gnomAD no frequency). This sequence change replaces alanine, which is neutral and non-polar, with valine, which is neutral and non-polar, at codon 489 of the FGFR3 protein (p.Ala489Val).

NM_000142.5(FGFR3):c.1466C>T (p.Ala489Val)

Gene: FGFR3 (fibroblast growth factor receptor 3; plus strand). Cytogenetic location: 4p16.3.
Variant type: single nucleotide variant.
Coding change: c.1466C>T on transcript NM_000142.5 (MANE Select); coding-DNA position 1466, C replaced by T.
Protein change: p.Ala489Val; replaces alanine 489 with valine.
Molecular consequence: missense variant. On other transcripts: non-coding transcript variant (1).
Genome position (GRCh38, 1-based): chr4:1,805,408, C>T. VCF-style: chr4-1805408-C-T. GRCh37 (hg19) VCF-style: chr4-1807135-C-T.
Other names: c.1472C>T, p.Ala491Val (NM_001163213.2); c.1469C>T, p.Ala490Val (NM_001354809.2, NM_001354810.2); c.1130C>T, p.Ala377Val (NM_022965.4); short protein forms A377V, A490V, A489V, A491V.
Identifiers: ClinVar variation 2131630 (VCV002131630.4), dbSNP rs2108802211, ClinGen allele CA355980965.